The following is an entry in ClinVar:

ClinVar aggregate classification (germline): Uncertain significance (1 of 4 stars; one submission).

Conditions:
TTN-related disorder. Also called: TTN-related disorders; TTN-related condition; TTN-related disease.

Submission:

PreventionGenetics, part of Exact Sciences
Classification: Uncertain significance for TTN-related condition. Last evaluated: 2025-06-13. Review status: criteria provided, single submitter. Criteria: ACMG Guidelines, 2015. Collection method: clinical testing. Allele origin: germline.
Comment: The TTN c.21772C>G variant is predicted to result in the amino acid substitution p.Pro7258Ala. To our knowledge, this variant has not been reported in the literature or in a large population database (gnomAD), indicating this variant is rare. At this time, the clinical significance of this variant is uncertain due to the absence of conclusive functional and genetic evidence.

NM_001267550.2(TTN):c.21772C>G (p.Pro7258Ala)

Gene: TTN (titin; minus strand). Cytogenetic location: 2q31.2.
Variant type: single nucleotide variant.
Coding change: c.21772C>G on transcript NM_001267550.2 (MANE Select); coding-DNA position 21772, C replaced by G.
Protein change: p.Pro7258Ala; replaces proline 7258 with alanine.
Molecular consequence: missense variant. On other transcripts: intron variant (3).
Genome position (GRCh38, 1-based): chr2:178,723,235, G>C on the plus strand (C>G on the coding strand, the complement: TTN is on the minus strand). VCF-style: chr2-178723235-G-C. GRCh37 (hg19) VCF-style: chr2-179587962-G-C.
Other names: c.20821C>G, p.Pro6941Ala (NM_001256850.1); c.18040C>G, p.Pro6014Ala (NM_133378.4); c.13282+14847C>G (NM_003319.4); c.13858+14847C>G (NM_133437.4); c.13657+14847C>G (NM_133432.3); short protein forms P6014A, P7258A, P6941A.
Identifiers: ClinVar variation 5000635 (VCV005000635.1).